The following is an entry in ClinVar:

NM_001113378.2(FANCI):c.2652A>C (p.Arg884Ser)

Gene: FANCI (FA complementation group I; plus strand). Cytogenetic location: 15q26.1.
Variant type: single nucleotide variant.
Coding change: c.2652A>C on transcript NM_001113378.2 (MANE Select); coding-DNA position 2652, A replaced by C.
Protein change: p.Arg884Ser; replaces arginine 884 with serine.
Molecular consequence: missense variant.
Genome position (GRCh38, 1-based): chr15:89,299,815, A>C. VCF-style: chr15-89299815-A-C. GRCh37 (hg19) VCF-style: chr15-89843046-A-C.
Other names: c.2373A>C, p.Arg791Ser (NM_001376910.1); c.2652A>C, p.Arg884Ser (NM_001376911.1); c.2472A>C, p.Arg824Ser (NM_018193.3); short protein forms R791S, R884S, R824S.
Identifiers: ClinVar variation 849309 (VCV000849309.8), dbSNP rs749604758, ClinGen allele CA7723428.

ClinVar aggregate classification (germline): Uncertain significance (1 of 4 stars; one submission).

Conditions:
Fanconi anemia (FA). Also called: Fanconi's anemia. Identifiers: Orphanet 84, MedGen C0015625, MeSH D005199, MONDO:0019391.

Allele frequency attached by ClinVar (database versions not stated): ExAC 0.00001; TOPMed 0.00002.
gnomAD v4.1: 8 of 1,613,746 alleles (0.0005%); highest among the groups gnomAD compares: East Asian, 0.016%; no homozygotes.

Submission:

Labcorp Genetics (formerly Invitae), Labcorp
Classification: Uncertain significance for Fanconi anemia. Last evaluated: 2024-06-24. Review status: criteria provided, single submitter. Criteria: Invitae Variant Classification Sherloc (09022015). Collection method: clinical testing. Allele origin: germline.
Comment: This sequence change replaces arginine, which is basic and polar, with serine, which is neutral and polar, at codon 884 of the FANCI protein (p.Arg884Ser). This variant is present in population databases (rs749604758, gnomAD 0.02%). This variant has not been reported in the literature in individuals affected with FANCI-related conditions. ClinVar contains an entry for this variant (Variation ID: 849309). Advanced modeling of protein sequence and biophysical properties (such as structural, functional, and spatial information, amino acid conservation, physicochemical variation, residue mobility, and thermodynamic stability) performed at Invitae indicates that this missense variant is expected to disrupt FANCI protein function with a positive predictive value of 80%. In summary, the available evidence is currently insufficient to determine the role of this variant in disease. Therefore, it has been classified as a Variant of Uncertain Significance.